The following is an entry in ClinVar:

ClinVar aggregate classification (germline): Uncertain significance (1 of 4 stars; one submission).

Submission:

Ambry Genetics
Classification: Uncertain significance. Last evaluated: 2024-01-24. Review status: criteria provided, single submitter. Criteria: Ambry Variant Classification Scheme 2023. Collection method: clinical testing. Allele origin: germline.
Comment: The p.D488A variant (also known as c.1463A>C), located in coding exon 3 of the ALPK2 gene, results from an A to C substitution at nucleotide position 1463. The aspartic acid at codon 488 is replaced by alanine, an amino acid with dissimilar properties. This amino acid position is conserved. In addition, this alteration is predicted to be tolerated by in silico analysis. Based on the available evidence, the clinical significance of this alteration remains unclear.

NM_052947.4(ALPK2):c.1463A>C (p.Asp488Ala)

Gene: ALPK2 (alpha kinase 2; minus strand). Cytogenetic location: 18q21.31.
Variant type: single nucleotide variant.
Coding change: c.1463A>C on transcript NM_052947.4 (MANE Select); coding-DNA position 1463, A replaced by C.
Protein change: p.Asp488Ala; replaces aspartic acid 488 with alanine.
Molecular consequence: missense variant.
Genome position (GRCh38, 1-based): chr18:58,579,313, T>G on the plus strand (A>C on the coding strand, the complement: ALPK2 is on the minus strand). VCF-style: chr18-58579313-T-G. GRCh37 (hg19) VCF-style: chr18-56246545-T-G.
Other names: short protein forms D488A.
Identifiers: ClinVar variation 3228572 (VCV003228572.1), dbSNP rs2518898939, ClinGen allele CA402562848.